The following is an entry in ClinVar:

ClinVar aggregate classification (germline): Uncertain significance. Review status: criteria provided, multiple submitters, no conflicts (2 of 4 stars). 3 submissions from 3 submitters: Uncertain significance (3). Last evaluated 2025-02-22.

Allele frequency attached by ClinVar (database versions not stated): gnomAD exomes below 0.00001; ExAC 0.00001; gnomAD 0.00001.

Submissions (3):

Ambry Genetics
Classification: Uncertain significance. Last evaluated: 2025-02-22. Review status: criteria provided, single submitter. Criteria: Ambry Variant Classification Scheme 2023. Collection method: clinical testing. Allele origin: germline.
Comment: The p.Q226H variant (also known as c.678G>T), located in coding exon 5 of the RECQL gene, results from a G to T substitution at nucleotide position 678. The glutamine at codon 226 is replaced by histidine, an amino acid with highly similar properties. This amino acid position is well conserved in available vertebrate species. In addition, this alteration is predicted to be tolerated by in silico analysis. Since supporting evidence is limited at this time, the clinical significance of this alteration remains unclear.

GeneDx
Classification: Uncertain significance. Last evaluated: 2022-07-20. Review status: criteria provided, single submitter. Criteria: GeneDx Variant Classification Process June 2021. Collection method: clinical testing. Allele origin: germline. Affected: yes.
Comment: Not observed at a significant frequency in large population cohorts (gnomAD); In silico analysis, which includes protein predictors and evolutionary conservation, supports a deleterious effect; Has not been previously published as pathogenic or benign to our knowledge; This variant is associated with the following publications: (PMID: 19151156, 27248010)

Labcorp Genetics (formerly Invitae), Labcorp
Classification: Uncertain significance. Last evaluated: 2022-02-10. Review status: criteria provided, single submitter. Criteria: Invitae Variant Classification Sherloc (09022015). Collection method: clinical testing. Allele origin: germline.
Comment: This sequence change replaces glutamine, which is neutral and polar, with histidine, which is basic and polar, at codon 226 of the RECQL protein (p.Gln226His). This variant is not present in population databases (gnomAD no frequency). This variant has not been reported in the literature in individuals affected with RECQL-related conditions. ClinVar contains an entry for this variant (Variation ID: 937408). Algorithms developed to predict the effect of missense changes on protein structure and function output the following: SIFT: "Tolerated"; PolyPhen-2: "Benign"; Align-GVGD: "Class C0". The histidine amino acid residue is found in multiple mammalian species, which suggests that this missense change does not adversely affect protein function. In summary, the available evidence is currently insufficient to determine the role of this variant in disease. Therefore, it has been classified as a Variant of Uncertain Significance.

NM_002907.4(RECQL):c.678G>T (p.Gln226His)

Gene: RECQL (RecQ like helicase; minus strand). Cytogenetic location: 12p12.1.
Variant type: single nucleotide variant.
Coding change: c.678G>T on transcript NM_002907.4 (MANE Select); coding-DNA position 678, G replaced by T.
Protein change: p.Gln226His; replaces glutamine 226 with histidine.
Molecular consequence: missense variant.
Genome position (GRCh38, 1-based): chr12:21,483,398, C>A on the plus strand (G>T on the coding strand, the complement: RECQL is on the minus strand). VCF-style: chr12-21483398-C-A. GRCh37 (hg19) VCF-style: chr12-21636332-C-A.
Other names: c.678G>T, p.Gln226His (NM_032941.3); short protein forms Q226H.
Identifiers: ClinVar variation 937408 (VCV000937408.15), dbSNP rs777465647, ClinGen allele CA6479013.